The following is an entry in ClinVar:

NM_198576.4(AGRN):c.3607A>G (p.Ile1203Val)

Gene: AGRN (agrin; plus strand). Cytogenetic location: 1p36.33.
Variant type: single nucleotide variant.
Coding change: c.3607A>G on transcript NM_198576.4 (MANE Select); coding-DNA position 3607, A replaced by G.
Protein change: p.Ile1203Val; replaces isoleucine 1203 with valine.
Molecular consequence: missense variant.
Genome position (GRCh38, 1-based): chr1:1,047,663, A>G. VCF-style: chr1-1047663-A-G. GRCh37 (hg19) VCF-style: chr1-983043-A-G.
Other names: c.3607A>G, p.Ile1203Val (NM_001305275.2); c.3292A>G, p.Ile1098Val (NM_001364727.2); short protein forms I1098V, I1203V.
Identifiers: ClinVar variation 856371 (VCV000856371.9), dbSNP rs778562449, ClinGen allele CA509152.

ClinVar aggregate classification (germline): Uncertain significance (1 of 4 stars; one submission).

Conditions:
Congenital myasthenic syndrome 8. Also called: Myasthenic syndrome, congenital, 8, with pre- and postsynaptic defects; MYASTHENIC SYNDROME, CONGENITAL, DUE TO AGRIN DEFICIENCY. Identifiers: Orphanet 590, MedGen C3808739, MONDO:0014052, OMIM 615120.

Allele frequency attached by ClinVar (database versions not stated): TOPMed 0.00001; gnomAD 0.00001; ExAC 0.00002.
gnomAD v4.1: 30 of 1,612,906 alleles (0.0019%); highest among the groups gnomAD compares: African/African-American, 0.0027%; no homozygotes.

Submission:

Labcorp Genetics (formerly Invitae), Labcorp
Classification: Uncertain significance for Congenital myasthenic syndrome 8. Last evaluated: 2023-10-03. Review status: criteria provided, single submitter. Criteria: Invitae Variant Classification Sherloc (09022015). Collection method: clinical testing. Allele origin: germline.
Comment: This sequence change replaces isoleucine, which is neutral and non-polar, with valine, which is neutral and non-polar, at codon 1203 of the AGRN protein (p.Ile1203Val). The frequency data for this variant in the population databases is considered unreliable, as metrics indicate poor data quality at this position in the gnomAD database. This variant has not been reported in the literature in individuals affected with AGRN-related conditions. ClinVar contains an entry for this variant (Variation ID: 856371). Algorithms developed to predict the effect of missense changes on protein structure and function output the following: SIFT: "Not Available"; PolyPhen-2: "Benign"; Align-GVGD: "Not Available". The valine amino acid residue is found in multiple mammalian species, which suggests that this missense change does not adversely affect protein function. In summary, the available evidence is currently insufficient to determine the role of this variant in disease. Therefore, it has been classified as a Variant of Uncertain Significance.